The following is an entry in ClinVar:

ClinVar aggregate classification (germline): Likely pathogenic (1 of 4 stars; one submission).

Conditions:
Primary ciliary dyskinesia. Also called: Ciliary dyskinesia. Identifiers: Orphanet 244, MedGen C0008780, MONDO:0016575, HP:0012265.

gnomAD v4.1: 153 of 1,614,078 alleles (0.0095%); highest among the groups gnomAD compares: Non-Finnish European, 0.011%; no homozygotes.

Submission:

Department of Human Genetics, Hannover Medical School
Classification: Likely pathogenic for Primary Ciliary Dyskinesia. Last evaluated: 2026-04-01. Review status: criteria provided, single submitter. Criteria: ACMG Guidelines, 2015. Collection method: research. Allele origin: germline. Affected: no.
Comment: Classification performed by HerediClassify using the following criteria:['PM2_supporting: Variant occures does not occur as homozygous in gnomAD.', 'PVS1_protein_very_strong: Transcript ENST00000287152 is predicted to undergo NMD. ']

NM_145027.6(KIF6):c.1567C>T (p.Arg523Ter)

Gene: KIF6 (kinesin family member 6; minus strand). Cytogenetic location: 6p21.2.
Variant type: single nucleotide variant.
Coding change: c.1567C>T on transcript NM_145027.6 (MANE Select); coding-DNA position 1567, C replaced by T.
Protein change: p.Arg523Ter; replaces arginine 523 with a stop codon.
Molecular consequence: nonsense. On other transcripts: intron variant (1).
Genome position (GRCh38, 1-based): chr6:39,540,081, G>A on the plus strand (C>T on the coding strand, the complement: KIF6 is on the minus strand). VCF-style: chr6-39540081-G-A. GRCh37 (hg19) VCF-style: chr6-39507857-G-A.
Other names: c.1567C>T, p.Arg523Ter (NM_001289020.3); c.1477+4423C>T (NM_001289021.3); short protein forms R523*.
Identifiers: ClinVar variation 4880118 (VCV004880118.1).